The following is an entry in ClinVar:

ClinVar aggregate classification (germline): Uncertain significance. Review status: criteria provided, multiple submitters, no conflicts (2 of 4 stars). 2 submissions from 2 submitters: Uncertain significance (2). Last evaluated 2023-08-30.

Conditions:
Cardiomyopathy (CMYO). Also called: Cardiomyopathies. Identifiers: Orphanet 167848, MedGen C0878544, MONDO:0004994, HP:0001638. Inheritance: Various modes of inheritance.

Allele frequency attached by ClinVar (database versions not stated): gnomAD exomes below 0.00001.
gnomAD v4.1: 1 of 1,520,914 alleles (0.000066%); highest among the groups gnomAD compares: Non-Finnish European, 0.00009%; no homozygotes.

Submissions (2):

GeneDx
Classification: Uncertain significance. Last evaluated: 2023-08-30. Review status: criteria provided, single submitter. Criteria: GeneDx Variant Classification Process June 2021. Collection method: clinical testing. Allele origin: germline. Affected: yes.
Comment: Not observed at significant frequency in large population cohorts (gnomAD); In silico analysis supports that this missense variant has a deleterious effect on protein structure/function; Has not been previously published as pathogenic or benign to our knowledge; Located in one of the three hot-spot regions of the RYR2 gene, where the majority of pathogenic missense variants occur (Medeiros-Domingo et al., 2009); This variant is associated with the following publications: (PMID: 19926015)

CHEO Genetics Diagnostic Laboratory, Children's Hospital of Eastern Ontario
Classification: Uncertain significance for Cardiomyopathy. Last evaluated: 2016-09-26. Review status: criteria provided, single submitter. Criteria: ACMG Guidelines, 2015. Collection method: clinical testing. Allele origin: germline. Study: Canadian Open Genetics Repository.

NM_001035.3(RYR2):c.13553T>C (p.Leu4518Pro)

Gene: RYR2 (ryanodine receptor 2; plus strand). Cytogenetic location: 1q43.
Variant type: single nucleotide variant.
Coding change: c.13553T>C on transcript NM_001035.3 (MANE Select); coding-DNA position 13553, T replaced by C.
Protein change: p.Leu4518Pro; replaces leucine 4518 with proline.
Molecular consequence: missense variant.
Genome position (GRCh38, 1-based): chr1:237,791,505, T>C. VCF-style: chr1-237791505-T-C. GRCh37 (hg19) VCF-style: chr1-237954805-T-C.
Other names: c.13553T>C, p.Leu4518Pro (LRG_402t1); short protein forms L4518P.
Identifiers: ClinVar variation 626629 (VCV000626629.3), dbSNP rs1558422697, ClinGen allele CA345417218.